The following is an entry in ClinVar:

NM_001166114.2(PNPLA6):c.1270C>T (p.Arg424Cys)

Gene: PNPLA6 (patatin like domain 6, lysophospholipase; plus strand). Cytogenetic location: 19p13.2.
Variant type: single nucleotide variant.
Coding change: c.1270C>T on transcript NM_001166114.2 (MANE Select); coding-DNA position 1270, C replaced by T.
Protein change: p.Arg424Cys; replaces arginine 424 with cysteine.
Molecular consequence: missense variant.
Genome position (GRCh38, 1-based): chr19:7,542,578, C>T. VCF-style: chr19-7542578-C-T. GRCh37 (hg19) VCF-style: chr19-7607464-C-T.
Other names: c.1297C>T, p.Arg433Cys (NM_001166111.2); c.1153C>T, p.Arg385Cys (NM_001166112.2, NM_001166113.1, NM_006702.5); short protein forms R385C, R433C, R424C.
Identifiers: ClinVar variation 469613 (VCV000469613.9), dbSNP rs763561590, ClinGen allele CA9139750.
Genomic context (GRCh38, chr19:7,542,578, plus strand): 5'-CTCTCATCTTTATGGTTTTTGTTGCCCCCCTGCCTGCCTGCAGGCTTGCAGGGTGGCCCC[C>T]GCTCCGACTTCGACATGGCCTATGAGCGTGGCCGGATCTCCGTGTCCCTGCAGGAAGAGG-3'
Protein context (NP_001159586.1, residues 414-434): GDISGLQGGP[Arg424Cys]SDFDMAYERG

ClinVar aggregate classification (germline): Uncertain significance. Review status: criteria provided, multiple submitters, no conflicts (2 of 4 stars). 2 submissions from 2 submitters: Uncertain significance (2). Last evaluated 2024-08-12.

Conditions:
Hereditary spastic paraplegia 39 (SPG39). Also called: SPASTIC PARAPLEGIA 39, AUTOSOMAL RECESSIVE; Spastic Paraplegia Type 39 (SPG39). Identifiers: Orphanet 139480, MedGen C2677586, MONDO:0012787, OMIM 612020.
Inborn genetic diseases. Identifiers: MedGen C0950123, MeSH D030342.

Allele frequency attached by ClinVar (database versions not stated): TOPMed 0.00002; gnomAD 0.00006 and 0.00007.

Submissions (2):

Ambry Genetics
Classification: Uncertain significance for Inborn genetic diseases. Last evaluated: 2024-08-12. Review status: criteria provided, single submitter. Criteria: Ambry Variant Classification Scheme 2023. Collection method: clinical testing. Allele origin: germline.

Labcorp Genetics (formerly Invitae), Labcorp
Classification: Uncertain significance for Hereditary spastic paraplegia 39. Last evaluated: 2022-01-18. Review status: criteria provided, single submitter. Criteria: Invitae Variant Classification Sherloc (09022015). Collection method: clinical testing. Allele origin: germline.
Comment: This sequence change replaces arginine, which is basic and polar, with cysteine, which is neutral and slightly polar, at codon 385 of the PNPLA6 protein (p.Arg385Cys). This variant is present in population databases (rs763561590, gnomAD 0.05%). This variant has not been reported in the literature in individuals affected with PNPLA6-related conditions. ClinVar contains an entry for this variant (Variation ID: 469613). Algorithms developed to predict the effect of missense changes on protein structure and function output the following: SIFT: "Tolerated"; PolyPhen-2: "Probably Damaging"; Align-GVGD: "Class C0". The cysteine amino acid residue is found in multiple mammalian species, which suggests that this missense change does not adversely affect protein function. In summary, the available evidence is currently insufficient to determine the role of this variant in disease. Therefore, it has been classified as a Variant of Uncertain Significance.